The following is an entry in ClinVar:

ClinVar aggregate classification (germline): Pathogenic (1 of 4 stars; one submission).

Conditions:
Congenital lactic acidosis, Saguenay-Lac-Saint-Jean type (MC4DN5). Also called: CYTOCHROME c OXIDASE DEFICIENCY, FRENCH CANADIAN TYPE; COX DEFICIENCY, FRENCH CANADIAN TYPE; MITOCHONDRIAL COMPLEX IV DEFICIENCY, NUCLEAR TYPE 5. Identifiers: Orphanet 70472, MedGen C1857355, MONDO:0009069, OMIM 220111.

Submission:

Myriad Genetics, Inc.
Classification: Pathogenic for Congenital lactic acidosis, Saguenay-Lac-Saint-Jean type. Last evaluated: 2026-01-25. Review status: criteria provided, single submitter. Criteria: Myriad Autosomal Dominant, Autosomal Recessive and X-Linked Classification Criteria (2023). Collection method: clinical testing. Allele origin: unknown.
Comment: NM_133259.3(LRPPRC):c.3773delT(F1258Sfs*47) is expected to be pathogenic in the context of Leigh syndrome, French-Canadian type. This variant is predicted to lead to an abnormal or absent protein product due to the creation of a premature termination codon in LRPPRC, a gene where loss-of-function variants are known to be pathogenic. Please note: this variant was assessed in the context of healthy population screening.

NM_133259.4(LRPPRC):c.3773del (p.Phe1258fs)

Gene: LRPPRC (leucine rich pentatricopeptide repeat containing; minus strand). Cytogenetic location: 2p21.
Variant type: Deletion.
Coding change: c.3773del on transcript NM_133259.4 (MANE Select); coding-DNA position 3773, one base deleted (T; older notation c.3773delT).
Protein change: p.Phe1258fs; shifts the reading frame from phenylalanine 1258.
Molecular consequence: frameshift variant.
Genome position (GRCh38, 1-based): chr2:43,899,271, A deleted on the plus strand (T on the coding strand, the reverse complement: LRPPRC is on the minus strand); the first of 6 consecutive A bases (chr2:43,899,271-43,899,276); deleting any one gives the same sequence. VCF-style (leftmost placement, unchanged base first): chr2-43899270-GA-G. GRCh37 (hg19) VCF-style: chr2-44126409-GA-G.
Other names: short protein forms F1258fs.
Identifiers: ClinVar variation 5015484 (VCV005015484.1).